The following is an entry in ClinVar:

ClinVar aggregate classification (germline): Uncertain significance (1 of 4 stars; one submission).

Conditions:
Gorlin syndrome. Also called: Nevoid Basal Cell Carcinoma Syndrome; Basal cell nevus syndrome. Identifiers: Orphanet 377, MedGen C0004779, MONDO:0007187.

Submission:

Labcorp Genetics (formerly Invitae), Labcorp
Classification: Uncertain significance for Gorlin syndrome. Last evaluated: 2020-10-06. Review status: criteria provided, single submitter. Criteria: Invitae Variant Classification Sherloc (09022015). Collection method: clinical testing. Allele origin: germline.
Comment: In summary, the available evidence is currently insufficient to determine the role of this variant in disease. Therefore, it has been classified as a Variant of Uncertain Significance. Algorithms developed to predict the effect of missense changes on protein structure and function are either unavailable or do not agree on the potential impact of this missense change (SIFT: "Tolerated"; PolyPhen-2: "Probably Damaging"; Align-GVGD: "Class C0"). This variant has not been reported in the literature in individuals with PTCH1-related conditions. This variant is not present in population databases (ExAC no frequency). This sequence change replaces arginine with lysine at codon 995 of the PTCH1 protein (p.Arg995Lys). The arginine residue is highly conserved and there is a small physicochemical difference between arginine and lysine.

NM_000264.5(PTCH1):c.2984G>A (p.Arg995Lys)

Gene: PTCH1 (patched 1; minus strand). Cytogenetic location: 9q22.32.
Variant type: single nucleotide variant.
Coding change: c.2984G>A on transcript NM_000264.5 (MANE Select); coding-DNA position 2984, G replaced by A.
Protein change: p.Arg995Lys; replaces arginine 995 with lysine.
Molecular consequence: missense variant. On other transcripts: non-coding transcript variant (1).
Genome position (GRCh38, 1-based): chr9:95,458,197, C>T on the plus strand (G>A on the coding strand, the complement: PTCH1 is on the minus strand). VCF-style: chr9-95458197-C-T. GRCh37 (hg19) VCF-style: chr9-98220479-C-T.
Other names: c.2786G>A, p.Arg929Lys (NM_001083602.3); c.2981G>A, p.Arg994Lys (NM_001083603.3); c.2531G>A, p.Arg844Lys (NM_001083604.3, NM_001083605.3, NM_001083606.3 and 1 more transcripts); c.2828G>A, p.Arg943Lys (NM_001354918.2); short protein forms R844K, R929K, R943K, R994K, R995K.
Identifiers: ClinVar variation 1020052 (VCV001020052.9), dbSNP rs1839126241, ClinGen allele CA374112641.
Genomic context (GRCh38, chr9:95,458,197, plus strand): 5'-AAGGGGTAGCCGTTGGGGTAACTGGACAGCCCCAGGCTCGTATAGTTGCTGCAGATGGTC[C>T]TTACTTTTTCAATTGCCTCCACAAAGTCTGAGGTGTCCCGCAAGCCGTTGAGGTAGAAAG-3'
Protein context (NP_000255.2, residues 985-1005): SDFVEAIEKV[Arg995Lys]TICSNYTSLG